The following is an entry in ClinVar:

ClinVar aggregate classification (germline): Uncertain significance (1 of 4 stars; one submission).

Conditions:
Familial thoracic aortic aneurysm and aortic dissection (TAAD). Also called: Thoracic aortic aneurysms and dissections. Identifiers: Orphanet 91387, MedGen C4707243, MONDO:0019625.

gnomAD v4.1: 1 of 1,614,122 alleles (0.000062%); highest among the groups gnomAD compares: South Asian, 0.0011%; no homozygotes.

Submission:

Color Diagnostics, LLC DBA Color Health
Classification: Uncertain significance for Familial thoracic aortic aneurysm and aortic dissection. Last evaluated: 2025-08-30. Review status: criteria provided, single submitter. Criteria: ACMG Guidelines, 2015. Collection method: clinical testing. Allele origin: germline.
Comment: This missense variant replaces proline with alanine at codon 568 of the MYH11 protein. Computational prediction suggests that this variant may not impact protein structure and function. To our knowledge, functional studies have not been reported for this variant. This variant has not been reported in individuals affected with MYH11-related disorders in the literature. This variant has not been identified in the general population by the Genome Aggregation Database (gnomAD). The available evidence is insufficient to determine the role of this variant in disease conclusively. Therefore, this variant is classified as a Variant of Uncertain Significance.

NM_002474.3(MYH11):c.1681C>G (p.Pro561Ala)

Gene: MYH11 (myosin heavy chain 11; minus strand). Cytogenetic location: 16p13.11.
Variant type: single nucleotide variant.
Coding change: c.1681C>G on transcript NM_002474.3 (MANE Select); coding-DNA position 1681, C replaced by G.
Protein change: p.Pro561Ala; replaces proline 561 with alanine.
Molecular consequence: missense variant.
Genome position (GRCh38, 1-based): chr16:15,756,409, G>C on the plus strand (C>G on the coding strand, the complement: MYH11 is on the minus strand). VCF-style: chr16-15756409-G-C. GRCh37 (hg19) VCF-style: chr16-15850266-G-C.
Other names: c.1702C>G, p.Pro568Ala (NM_001040113.2, NM_001040114.2); c.1681C>G, p.Pro561Ala (NM_022844.3); short protein forms P561A, P568A.
Identifiers: ClinVar variation 4756189 (VCV004756189.1).
Genomic context (GRCh38, chr16:15,756,409, plus strand): 5'-CATAATGGATGATGGAGAACTCAGTCTTGTCCTTGAGCTGCTTGGGCTTCTGGAACTTGG[G>C]GTGGCTGCCCTGCTCCGTGCACAGCTTCTCCACGAAAGACTTGTCCGTGGCTTTGGGGAA-3'
Protein context (NP_002465.1, residues 551-571): EKLCTEQGSH[Pro561Ala]KFQKPKQLKD